The following is an entry in ClinVar:

NM_022455.5(NSD1):c.4378+3_4378+6del

Gene: NSD1 (nuclear receptor binding SET domain protein 1; plus strand). Cytogenetic location: 5q35.3.
Variant type: Deletion.
Coding change: c.4378+3_4378+6del on transcript NM_022455.5 (MANE Select); bases 3 to 6 of the intron after coding-DNA position 4378, 4 bases deleted (GAGT; older notation c.4378+3_4378+6delGAGT).
Molecular consequence: splice donor variant.
Genome position (GRCh38, 1-based): chr5:177,244,273-177,244,276, GAGT deleted; deleting any 4 consecutive bases within chr5:177,244,271-177,244,276 gives the same sequence; the c. name uses the placement nearest the transcript's 3' end. VCF-style (leftmost placement, unchanged base first): chr5-177244270-GGTGA-G. GRCh37 (hg19) VCF-style: chr5-176671271-GGTGA-G.
Other names: c.3505+3_3505+6del (NM_001409309.1, NM_001365684.2, NM_001409306.1 and 3 more transcripts); c.4378+3_4378+6del (NM_001409301.1, NM_001409302.1, NM_001409303.1); c.3958+3_3958+6del (NM_001409304.1); c.3625+3_3625+6del (NM_001409305.1); c.4378+3_4378+6delGAGT (NM_022455.4).
Identifiers: ClinVar variation 565696 (VCV000565696.24), dbSNP rs1562251194, ClinGen allele CA645560987.
Genomic context (GRCh38, chr5:177,244,270, plus strand): 5'-CACCTGGAGAATGGCATAACTGAATCTTGTGCCACATCTTATTCAAAAGATTTTGGTGGA[GGTGA>G]GTATTTTTGAGATTTAAAAAACGTAATGCAGTAGTAAGTTTGAAGTGCTTTGTCTGTTAA-3'

ClinVar aggregate classification (germline): Pathogenic/Likely pathogenic. Review status: criteria provided, multiple submitters, no conflicts (2 of 4 stars). 8 submissions from 8 submitters: Pathogenic (4); Likely pathogenic (4). Last evaluated 2025-01-06.

Conditions:
NSD1-related disorder. Also called: NSD1-related condition.
Sotos syndrome (SOTOS). Also called: Sotos' syndrome; CHROMOSOME 5q35 DELETION SYNDROME; SOTOS SYNDROME 1; CEREBRAL GIGANTISM; Distinctive facial appearance, overgrowth in childhood, and learning disabilities or delayed development. Identifiers: Orphanet 821, MedGen C0175695, MONDO:0019349, OMIM 117550.

Submissions (8):

3billion
Classification: Likely pathogenic for Sotos syndrome. Last evaluated: 2025-01-06. Review status: criteria provided, single submitter. Criteria: ACMG Guidelines, 2015. Collection method: clinical testing. Allele origin: germline. Affected: yes.
Comment: The variant is not observed in the gnomAD v4.1.0 dataset. Predicted Consequence/Location: Canonical splice site: predicted to alter splicing and result in a loss or disruption of normal protein function. Multiple pathogenic loss-of-function variants are reported downstream of the variant. In silico tools predict the variant to alter splicing and produce an abnormal transcript [SpliceAI: 0.76 (spliceogenicity >=0.2, non-spliceogenicity <0.1)]. The variant has been reported at least twice as pathogenic with clinical assertions and evidence for the classification (ClinVar ID: VCV000565696 /PMID: 15942875). Therefore, this variant is classified as Likely pathogenic according to the recommendation of ACMG/AMP guideline.

GeneDx
Classification: Pathogenic. Last evaluated: 2023-08-22. Review status: criteria provided, single submitter. Criteria: GeneDx Variant Classification Process June 2021. Collection method: clinical testing. Allele origin: germline. Affected: yes.
Comment: In silico analysis is inconclusive as to whether the variant alters gene splicing. In the absence of RNA/functional studies, the actual effect of this sequence change is unknown.; Not observed in large population cohorts (gnomAD); This variant is associated with the following publications: (PMID: 15942875)

Blueprint Genetics
Classification: Pathogenic for NSD1-related disorders. Last evaluated: 2023-06-07. Review status: criteria provided, single submitter. Criteria: ACMG Guidelines, 2015. Collection method: clinical testing. Allele origin: germline. Affected: yes. Observed: 1 variant allele.

Genome-Nilou Lab
Classification: Likely pathogenic for Sotos syndrome. Last evaluated: 2021-07-15. Review status: criteria provided, single submitter. Criteria: ACMG Guidelines, 2015. Collection method: clinical testing. Allele origin: germline. Affected: no.

Labcorp Genetics (formerly Invitae), Labcorp
Classification: Pathogenic. Last evaluated: 2021-06-22. Review status: criteria provided, single submitter. Criteria: Invitae Variant Classification Sherloc (09022015). Collection method: clinical testing. Allele origin: germline.
Comment: For these reasons, this variant has been classified as Pathogenic. Nucleotide substitutions within the consensus splice site are a relatively common cause of aberrant splicing (PMID: 17576681, 9536098). Algorithms developed to predict the effect of sequence changes on RNA splicing suggest that this variant may disrupt the consensus splice site, but this prediction has not been confirmed by published transcriptional studies. This variant is also known as IVS9+3-6delGAGT in the literature. This variant is not present in population databases (ExAC no frequency). This sequence change falls in intron 9 of the NSD1 gene. It does not directly change the encoded amino acid sequence of the NSD1 protein, but it affects a nucleotide within the consensus splice site of the intron.

Department of Genetics, Rouen University Hospital, Normandy Center for Genomic and Personalized Medicine
Classification: Likely pathogenic for Sotos syndrome. Last evaluated: 2021-01-08. Review status: criteria provided, single submitter. Criteria: ACMG Guidelines, 2015. Collection method: clinical testing. Allele origin: de novo. Affected: yes.

Victorian Clinical Genetics Services, Murdoch Childrens Research Institute
Classification: Pathogenic. Last evaluated: 2020-05-21. Review status: criteria provided, single submitter. Criteria: ACMG Guidelines, 2015. Collection method: clinical testing. Allele origin: germline. Inheritance: Autosomal dominant inheritance. Affected: yes.
Comment: A heterozygous splice site variant was identified, NM_022455.4(NSD1):c.4378+3_4378+6delGAGT in intron 9 of the NSD1 gene. This substitution may cause aberrant splicing in the NSD1 gene, affecting protein function; further testing via RNA studies are required to confirm if splicing is altered. The nucleotide at this position has high conservation (Phylop UCSC). In silico software predictions on splicing are conflicting (NetGene2, Fruit fly, Human Splicing Finder). The variant is not present in the gnomAD population database. It has been previously reported in two de novo patients with Sotos syndrome (Tatton-Brown, K. et al . (2007)). Analysis of parental samples indicated that this variant is de novo . Based on information available at the time of curation, this variant has been classified as PATHOGENIC. Legend: (P) - Pathogenic, (N) - Neutral, (B) - Benign

Juno Genomics, Hangzhou Juno Genomics, Inc
Classification: Likely pathogenic for Sotos syndrome. Review status: criteria provided, single submitter. Criteria: ACMG Guidelines, 2015. Collection method: clinical testing. Allele origin: germline. Affected: yes.
Comment: Absent from controls (or at extremely low frequency if recessive) in Genome Aggregation Database.;The prevalence of the variant in affected individuals is significantly increased compared to the prevalence in controls.;De novo (both maternity and paternity confirmed) in a patient with the disease and no family history.;Patient's phenotype or family history is highly specific for a disease with a single genetic etiology.;Multiple lines of computational evidence support a deleterious effect on the gene or gene product.

Literature cited by the submitters: PubMed 15942875 (cited by 3billion and Labcorp Genetics (formerly Invitae), Labcorp); PubMed 17576681 (cited by Labcorp Genetics (formerly Invitae), Labcorp); PubMed 9536098 (cited by Labcorp Genetics (formerly Invitae), Labcorp); PubMed 28475857 (cited by Victorian Clinical Genetics Services, Murdoch Childrens Research Institute).